The following is an entry in ClinVar:

NM_001042681.2(RERE):c.202G>T (p.Ala68Ser)

Gene: RERE (arginine-glutamic acid dipeptide repeats; minus strand). Cytogenetic location: 1p36.23.
Variant type: single nucleotide variant.
Coding change: c.202G>T on transcript NM_001042681.2 (MANE Select); coding-DNA position 202, G replaced by T.
Protein change: p.Ala68Ser; replaces alanine 68 with serine.
Molecular consequence: missense variant.
Genome position (GRCh38, 1-based): chr1:8,656,096, C>A on the plus strand (G>T on the coding strand, the complement: RERE is on the minus strand). VCF-style: chr1-8656096-C-A. GRCh37 (hg19) VCF-style: chr1-8716155-C-A.
Other names: c.202G>T, p.Ala68Ser (NM_012102.4); short protein forms A68S.
Identifiers: ClinVar variation 1472499 (VCV001472499.8), dbSNP rs1243578231, ClinGen allele CA338222900.

ClinVar aggregate classification (germline): Uncertain significance (1 of 4 stars; one submission).

Submission:

Labcorp Genetics (formerly Invitae), Labcorp
Classification: Uncertain significance. Last evaluated: 2022-12-02. Review status: criteria provided, single submitter. Criteria: Invitae Variant Classification Sherloc (09022015). Collection method: clinical testing. Allele origin: germline.
Comment: Advanced modeling of protein sequence and biophysical properties (such as structural, functional, and spatial information, amino acid conservation, physicochemical variation, residue mobility, and thermodynamic stability) performed at Invitae indicates that this missense variant is not expected to disrupt RERE protein function. In summary, the available evidence is currently insufficient to determine the role of this variant in disease. Therefore, it has been classified as a Variant of Uncertain Significance. ClinVar contains an entry for this variant (Variation ID: 1472499). This variant has not been reported in the literature in individuals affected with RERE-related conditions. This variant is not present in population databases (gnomAD no frequency). This sequence change replaces alanine, which is neutral and non-polar, with serine, which is neutral and polar, at codon 68 of the RERE protein (p.Ala68Ser).